The following is an entry in ClinVar:

ClinVar aggregate classification (germline): Uncertain significance. Review status: criteria provided, multiple submitters, no conflicts (2 of 4 stars). 2 submissions from 2 submitters: Uncertain significance (2). Last evaluated 2025-08-13.

Conditions:
Mendelian susceptibility to mycobacterial diseases due to complete IL12B deficiency. Also called: IL12B DEFICIENCY; Immunodeficiency 29. Identifiers: Orphanet 319558, MedGen C4013948, MONDO:0013954, OMIM 614890.
Inborn genetic diseases. Identifiers: MedGen C0950123, MeSH D030342.

Allele frequency attached by ClinVar (database versions not stated): gnomAD 0.00001; TOPMed 0.00001; gnomAD exomes 0.00003; ExAC 0.00004.
gnomAD v4.1: 14 of 1,614,032 alleles (0.00087%); highest among the groups gnomAD compares: African/African-American, 0.0013%; no homozygotes.

Submissions (2):

Ambry Genetics
Classification: Uncertain significance for Inborn genetic diseases. Last evaluated: 2025-08-13. Review status: criteria provided, single submitter. Criteria: Ambry Variant Classification Scheme 2023. Collection method: clinical testing. Allele origin: germline.

Labcorp Genetics (formerly Invitae), Labcorp
Classification: Uncertain significance for Mendelian susceptibility to mycobacterial diseases due to complete IL12B deficiency. Last evaluated: 2025-06-23. Review status: criteria provided, single submitter. Criteria: Invitae Variant Classification Sherloc (09022015). Collection method: clinical testing. Allele origin: germline.
Comment: This sequence change replaces glutamic acid, which is acidic and polar, with aspartic acid, which is acidic and polar, at codon 95 of the IL12B protein (p.Glu95Asp). This variant is present in population databases (rs751689646, gnomAD 0.007%). This variant has not been reported in the literature in individuals affected with IL12B-related conditions. ClinVar contains an entry for this variant (Variation ID: 1446196). Invitae Evidence Modeling of protein sequence and biophysical properties (such as structural, functional, and spatial information, amino acid conservation, physicochemical variation, residue mobility, and thermodynamic stability) indicates that this missense variant is not expected to disrupt IL12B protein function with a negative predictive value of 80%. In summary, the available evidence is currently insufficient to determine the role of this variant in disease. Therefore, it has been classified as a Variant of Uncertain Significance.

NM_002187.3(IL12B):c.285G>C (p.Glu95Asp)

Gene: IL12B (interleukin 12B; minus strand). Cytogenetic location: 5q33.3.
Variant type: single nucleotide variant.
Coding change: c.285G>C on transcript NM_002187.3 (MANE Select); coding-DNA position 285, G replaced by C.
Protein change: p.Glu95Asp; replaces glutamic acid 95 with aspartic acid.
Molecular consequence: missense variant.
Genome position (GRCh38, 1-based): chr5:159,323,133, C>G on the plus strand (G>C on the coding strand, the complement: IL12B is on the minus strand). VCF-style: chr5-159323133-C-G. GRCh37 (hg19) VCF-style: chr5-158750141-C-G.
Other names: c.285G>C (NM_002187.2); short protein forms E95D.
Identifiers: ClinVar variation 1446196 (VCV001446196.9), dbSNP rs751689646, ClinGen allele CA3538854.